The following is an entry in ClinVar:

NM_004655.4(AXIN2):c.120G>T (p.Val40=)

Gene: AXIN2 (axin 2; minus strand). Cytogenetic location: 17q24.1.
Variant type: single nucleotide variant.
Coding change: c.120G>T on transcript NM_004655.4 (MANE Select); coding-DNA position 120, G replaced by T.
Protein change: p.Val40=; no amino-acid change (valine 40 retained).
Molecular consequence: synonymous variant.
Genome position (GRCh38, 1-based): chr17:65,558,501, C>A on the plus strand (G>T on the coding strand, the complement: AXIN2 is on the minus strand). VCF-style: chr17-65558501-C-A. GRCh37 (hg19) VCF-style: chr17-63554619-C-A.
Other names: c.120G>T, p.Val40= (NM_001363813.1).
Identifiers: ClinVar variation 1081397 (VCV001081397.13), dbSNP rs2144590786, ClinGen allele CA501691571.

ClinVar aggregate classification (germline): Benign/Likely benign. Review status: criteria provided, multiple submitters, no conflicts (2 of 4 stars). 3 submissions from 3 submitters: Benign (1); Likely benign (2). Last evaluated 2024-06-25.

Conditions:
Oligodontia-cancer predisposition syndrome. Also called: TOOTH AGENESIS-COLORECTAL CANCER SYNDROME. Identifiers: Orphanet 300576, MedGen C1837750, MONDO:0012075, OMIM 608615. Disease mechanism: loss of function.
Hereditary cancer-predisposing syndrome. Also called: Hereditary Cancer Syndrome; Hereditary neoplastic syndrome; Tumor predisposition; Neoplastic Syndromes, Hereditary. Identifiers: Orphanet 140162, MedGen C0027672, MeSH D009386, MONDO:0015356.

Allele frequency attached by ClinVar (database versions not stated): gnomAD exomes below 0.00001.
gnomAD v4.1: 1 of 1,612,544 alleles (0.000062%); highest among the groups gnomAD compares: Non-Finnish European, 0.000085%; no homozygotes.

Submissions (3):

Myriad Genetics, Inc.
Classification: Benign for Oligodontia-cancer predisposition syndrome. Last evaluated: 2024-06-25. Review status: criteria provided, single submitter. Criteria: Myriad Autosomal Dominant, Autosomal Recessive and X-Linked Classification Criteria (2023). Collection method: clinical testing. Allele origin: unknown.
Comment: This variant is considered benign. This variant is a silent/synonymous amino acid change and it is not expected to impact splicing.

Labcorp Genetics (formerly Invitae), Labcorp
Classification: Likely benign for Oligodontia-cancer predisposition syndrome. Last evaluated: 2023-07-28. Review status: criteria provided, single submitter. Criteria: Invitae Variant Classification Sherloc (09022015). Collection method: clinical testing. Allele origin: germline.

Ambry Genetics
Classification: Likely benign for Hereditary cancer-predisposing syndrome. Last evaluated: 2021-12-12. Review status: criteria provided, single submitter. Criteria: Ambry Variant Classification Scheme 2023. Collection method: clinical testing. Allele origin: germline.